The following is an entry in ClinVar:

NM_001267550.2(TTN):c.93781C>T (p.Arg31261Ter)

Genes: TTN (titin; minus strand), TTN-AS1 (TTN antisense RNA 1; plus strand). Cytogenetic location: 2q31.2.
Variant type: single nucleotide variant.
Coding change: c.93781C>T on transcript NM_001267550.2 (MANE Select); coding-DNA position 93781, C replaced by T.
Protein change: p.Arg31261Ter; replaces arginine 31261 with a stop codon.
Molecular consequence: nonsense.
Genome position (GRCh38, 1-based): chr2:178,547,845, G>A on the plus strand (C>T on the coding strand, the complement: TTN is on the minus strand). VCF-style: chr2-178547845-G-A. GRCh37 (hg19) VCF-style: chr2-179412572-G-A.
Other names: c.93781C>T (NM_001267550.1); c.88858C>T, p.Arg29620Ter (NM_001256850.1); c.66586C>T, p.Arg22196Ter (NM_003319.4); c.86077C>T, p.Arg28693Ter (NM_133378.4); c.66961C>T, p.Arg22321Ter (NM_133432.3); c.67162C>T, p.Arg22388Ter (NM_133437.4); short protein forms R29620*, R31261*, R22196*, R22321*, R22388*, R28693*.
Identifiers: ClinVar variation 432214 (VCV000432214.16), dbSNP rs1553528016, ClinGen allele CA349480887.

ClinVar aggregate classification (germline): Likely pathogenic. Review status: criteria provided, multiple submitters, no conflicts (2 of 4 stars). 5 submissions from 5 submitters: Likely pathogenic (5). Last evaluated 2026-01-01.

Conditions:
TTN-related disorder. Also called: TTN-related condition; TTN-related disease; TTN-related disorders.
Dilated cardiomyopathy 1G (CMD1G). Identifiers: Orphanet 154, MedGen C1858763, MONDO:0011400, OMIM 604145.
Autosomal recessive limb-girdle muscular dystrophy type 2J (LGMDR10). Also called: MUSCULAR DYSTROPHY, LIMB-GIRDLE, AUTOSOMAL RECESSIVE 10; Limb-girdle muscular dystrophy, type 2J. Identifiers: Orphanet 140922, MedGen C1837342, MONDO:0012127, OMIM 608807.
Cardiovascular phenotype. Identifiers: MedGen CN230736.

Allele frequency attached by ClinVar (database versions not stated): gnomAD exomes below 0.00001.
gnomAD v4.1: 1 of 1,613,822 alleles (0.000062%); highest among the groups gnomAD compares: Non-Finnish European, 0.000085%; no homozygotes.

Submissions (5):

CeGaT Center for Human Genetics Tuebingen
Classification: Likely pathogenic. Last evaluated: 2026-01-01. Review status: criteria provided, single submitter. Criteria: CeGaT Center For Human Genetics Tuebingen Variant Classification Criteria Version 2. Collection method: clinical testing. Allele origin: germline. Affected: yes. Observed: 1 variant allele.
Comment: TTN: PVS1:Strong, PM2

GeneDx
Classification: Likely pathogenic. Last evaluated: 2025-12-11. Review status: criteria provided, single submitter. Criteria: GeneDx Variant Classification Process June 2021. Collection method: clinical testing. Allele origin: germline. Affected: yes.
Comment: Nonsense variant predicted to result in protein truncation or nonsense mediated decay in a gene for which loss of function is a known mechanism of disease; Located in the A-band, a region of TTN for which truncating variants are significantly associated with autosomal dominant cardiomyopathy and also with autosomal recessive skeletal myopathies (PMID: 22335739, 32778822); Reported among a cohort of patients with DCM (PMID: 32998006); Not observed at significant frequency in large population cohorts (gnomAD); This variant is associated with the following publications: (PMID: 32998006, 22335739, 32778822)

Ambry Genetics
Classification: Likely pathogenic for Cardiovascular phenotype. Last evaluated: 2024-12-06. Review status: criteria provided, single submitter. Criteria: Ambry Variant Classification Scheme 2023. Collection method: clinical testing. Allele origin: germline.
Comment: The p.R22196* variant (also known as c.66586C>T), located in coding exon 166 of the TTN gene, results from a C to T substitution at nucleotide position 66586. This changes the amino acid from an arginine to a stop codon within coding exon 166. This exon is located in the A-band region of the N2-B isoform of the titin protein and is constitutively expressed in TTN transcripts (percent spliced in or PSI 100%). This variant was reported in individual(s) with features consistent with dilated cardiomyopathy (DCM) (Anderson JL et al. Am J Cardiol, 2020 Dec;137:97-102). This variant is considered to be rare based on population cohorts in the Genome Aggregation Database (gnomAD). In addition to the clinical data presented in the literature, this alteration is expected to result in loss of function by premature protein truncation or nonsense-mediated mRNA decay. While truncating variants in TTN are present in 1-3% of the general population, truncating variants in the A-band are the most common cause of dilated cardiomyopathy (DCM) (Herman DS et al. N. Engl. J. Med., 2012 Feb;366:619-28; Roberts AM et al. Sci Transl Med, 2015 Jan;7:270ra6). TTN truncating variants encoded in constitutive exons (PSI >90%) have been found to be significantly associated with DCM regardless of their position in titin (Schafer S et al. Nat. Genet., 2017 01;49:46-53). Based on the majority of available evidence to date, this variant is likely to be pathogenic.

Labcorp Genetics (formerly Invitae), Labcorp
Classification: Likely pathogenic for Dilated cardiomyopathy 1G; Autosomal recessive limb-girdle muscular dystrophy type 2J. Last evaluated: 2024-04-25. Review status: criteria provided, single submitter. Criteria: Invitae Variant Classification Sherloc (09022015). Collection method: clinical testing. Allele origin: germline.
Comment: This sequence change creates a premature translational stop signal (p.Arg31261*) in the TTN gene. While this is not anticipated to result in nonsense mediated decay, it is expected to create a truncated TTN protein. This variant is not present in population databases (gnomAD no frequency). This premature translational stop signal has been observed in individual(s) with dilated cardiomyopathy (PMID: 32998006). ClinVar contains an entry for this variant (Variation ID: 432214). This variant is located in the A band of TTN (PMID: 25589632). Truncating variants in this region are significantly overrepresented in patients affected with dilated cardiomyopathy (PMID: 25589632). Truncating variants in this region have also been reported in individuals affected with autosomal recessive centronuclear myopathy (PMID: 23975875). In summary, the currently available evidence indicates that the variant is pathogenic, but additional data are needed to prove that conclusively. Therefore, this variant has been classified as Likely Pathogenic.

Blueprint Genetics
Classification: Likely pathogenic for TTN-related disorders. Last evaluated: 2022-02-23. Review status: criteria provided, single submitter. Criteria: ACMG Guidelines, 2015. Collection method: clinical testing. Allele origin: germline. Affected: yes. Observed: 2 variant alleles.

Literature cited by the submitters: PubMed 32998006 (cited by Ambry Genetics and Labcorp Genetics (formerly Invitae), Labcorp); PubMed 25589632 (cited by Labcorp Genetics (formerly Invitae), Labcorp); PubMed 23975875 (cited by Labcorp Genetics (formerly Invitae), Labcorp).